The following is an entry in ClinVar:

ClinVar aggregate classification (germline): Uncertain significance (1 of 4 stars; one submission).

Allele frequency attached by ClinVar (database versions not stated): ExAC 0.00001.
gnomAD v4.1: 6 of 1,613,638 alleles (0.00037%); highest among the groups gnomAD compares: African/African-American, 0.008%; no homozygotes.

Submission:

Labcorp Genetics (formerly Invitae), Labcorp
Classification: Uncertain significance. Last evaluated: 2022-08-10. Review status: criteria provided, single submitter. Criteria: Invitae Variant Classification Sherloc (09022015). Collection method: clinical testing. Allele origin: germline.
Comment: In summary, the available evidence is currently insufficient to determine the role of this variant in disease. Therefore, it has been classified as a Variant of Uncertain Significance. Algorithms developed to predict the effect of missense changes on protein structure and function are either unavailable or do not agree on the potential impact of this missense change (SIFT: "Not Available"; PolyPhen-2: "Probably Damaging"; Align-GVGD: "Not Available"). This sequence change replaces arginine, which is basic and polar, with leucine, which is neutral and non-polar, at codon 953 of the MYO18B protein (p.Arg953Leu). This variant is present in population databases (rs768267626, gnomAD 0.02%). This variant has not been reported in the literature in individuals affected with MYO18B-related conditions.

NM_032608.7(MYO18B):c.2858G>T (p.Arg953Leu)

Gene: MYO18B (myosin XVIIIB; plus strand). Cytogenetic location: 22q12.1.
Variant type: single nucleotide variant.
Coding change: c.2858G>T on transcript NM_032608.7 (MANE Select); coding-DNA position 2858, G replaced by T.
Protein change: p.Arg953Leu; replaces arginine 953 with leucine.
Molecular consequence: missense variant.
Genome position (GRCh38, 1-based): chr22:25,828,847, G>T. VCF-style: chr22-25828847-G-T. GRCh37 (hg19) VCF-style: chr22-26224814-G-T.
Other names: c.2858G>T, p.Arg953Leu (NM_001318245.2); short protein forms R953L.
Identifiers: ClinVar variation 1936401 (VCV001936401.5), dbSNP rs768267626, ClinGen allele CA10160352.